The following is an entry in ClinVar:

ClinVar aggregate classification (germline): Uncertain significance (1 of 4 stars; one submission).

Submission:

GeneDx
Classification: Uncertain significance. Last evaluated: 2025-07-17. Review status: criteria provided, single submitter. Criteria: GeneDx Variant Classification Process June 2021. Collection method: clinical testing. Allele origin: germline. Affected: yes.
Comment: Not observed at significant frequency in large population cohorts (gnomAD); In silico analysis suggests that this missense variant does not alter protein structure/function; Has not been previously published as pathogenic or benign to our knowledge

NM_000459.5(TEK):c.2677G>C (p.Glu893Gln)

Gene: TEK (TEK receptor tyrosine kinase; plus strand). Cytogenetic location: 9p21.2.
Variant type: single nucleotide variant.
Coding change: c.2677G>C on transcript NM_000459.5 (MANE Select); coding-DNA position 2677, G replaced by C.
Protein change: p.Glu893Gln; replaces glutamic acid 893 with glutamine.
Molecular consequence: missense variant.
Genome position (GRCh38, 1-based): chr9:27,209,222, G>C. VCF-style: chr9-27209222-G-C. GRCh37 (hg19) VCF-style: chr9-27209220-G-C.
Other names: c.2548G>C, p.Glu850Gln (NM_001290077.2); c.2233G>C, p.Glu745Gln (NM_001290078.2); c.2674G>C, p.Glu892Gln (NM_001375475.1); c.2545G>C, p.Glu849Gln (NM_001375476.1); short protein forms E745Q, E849Q, E850Q, E892Q, E893Q.
Identifiers: ClinVar variation 4686464 (VCV004686464.1).